The following is an entry in ClinVar:

ClinVar aggregate classification (germline): Uncertain significance (1 of 4 stars; one submission).

Submission:

Labcorp Genetics (formerly Invitae), Labcorp
Classification: Uncertain significance. Last evaluated: 2024-02-24. Review status: criteria provided, single submitter. Criteria: Invitae Variant Classification Sherloc (09022015). Collection method: clinical testing. Allele origin: germline.
Comment: This sequence change replaces serine, which is neutral and polar, with glycine, which is neutral and non-polar, at codon 1802 of the MYH14 protein (p.Ser1802Gly). This variant is not present in population databases (gnomAD no frequency). This variant has not been reported in the literature in individuals affected with MYH14-related conditions. Advanced modeling of protein sequence and biophysical properties (such as structural, functional, and spatial information, amino acid conservation, physicochemical variation, residue mobility, and thermodynamic stability) performed at Invitae indicates that this missense variant is not expected to disrupt MYH14 protein function with a negative predictive value of 80%. In summary, the available evidence is currently insufficient to determine the role of this variant in disease. Therefore, it has been classified as a Variant of Uncertain Significance.

NM_001145809.2(MYH14):c.5527A>G (p.Ser1843Gly)

Gene: MYH14 (myosin heavy chain 14; plus strand). Cytogenetic location: 19q13.33.
Variant type: single nucleotide variant.
Coding change: c.5527A>G on transcript NM_001145809.2 (MANE Select); coding-DNA position 5527, A replaced by G.
Protein change: p.Ser1843Gly; replaces serine 1843 with glycine.
Molecular consequence: missense variant.
Genome position (GRCh38, 1-based): chr19:50,301,718, A>G. VCF-style: chr19-50301718-A-G. GRCh37 (hg19) VCF-style: chr19-50804975-A-G.
Other names: c.5428A>G, p.Ser1810Gly (NM_001077186.2); c.5404A>G, p.Ser1802Gly (NM_024729.4); short protein forms S1810G, S1802G, S1843G.
Identifiers: ClinVar variation 3684908 (VCV003684908.2).
Genomic context (GRCh38, chr19:50,301,718, plus strand): 5'-CAGGTAGAGTCACTGACCACAGAGCTGTCAGCTGAGCGCAGTTTCTCAGCCAAGGCAGAG[A>G]GCGGGCGGCAGCAGCTGGAACGGCAGATCCAGGAGCTACGGGGACGCCTGGGTGAGGAGG-3'
Protein context (NP_001139281.1, residues 1833-1853): AERSFSAKAE[Ser1843Gly]GRQQLERQIQ